The following is an entry in ClinVar:

ClinVar aggregate classification (germline): Benign/Likely benign. Review status: criteria provided, multiple submitters, no conflicts (2 of 4 stars). 3 submissions from 3 submitters: Benign (1); Likely benign (2). Last evaluated 2025-02-21.

Conditions:
CENPE-related disorder. Also called: CENPE-related condition.

Allele frequency attached by ClinVar (database versions not stated): ESP Exome Variant Server 0.00015; gnomAD exomes 0.00095 and 0.00372; gnomAD 0.00104 and 0.00120; TOPMed 0.00239; 1000 Genomes Project 30x 0.00297; 1000 Genomes Project 0.00300; ExAC 0.00308.
gnomAD v4.1: 1,570 of 1,600,638 alleles (0.098%); highest among the groups gnomAD compares: Admixed American, 1.6%; 15 homozygotes.

Submissions (3):

PreventionGenetics, part of Exact Sciences
Classification: Likely benign for CENPE-related condition. Last evaluated: 2025-02-21. Review status: criteria provided, single submitter. Criteria: ACMG Guidelines, 2015. Collection method: clinical testing. Allele origin: germline.
Comment: This variant is classified as likely benign based on ACMG/AMP sequence variant interpretation guidelines (Richards et al. 2015 PMID: 25741868, with internal and published modifications).

GeneDx
Classification: Likely benign. Last evaluated: 2021-12-17. Review status: criteria provided, single submitter. Criteria: GeneDx Variant Classification Process June 2021. Collection method: clinical testing. Allele origin: germline. Affected: yes.
Comment: See Variant Classification Assertion Criteria.

Labcorp Genetics (formerly Invitae), Labcorp
Classification: Benign. Last evaluated: 2019-12-31. Review status: criteria provided, single submitter. Criteria: Invitae Variant Classification Sherloc (09022015). Collection method: clinical testing. Allele origin: germline.

NM_001813.3(CENPE):c.5789G>A (p.Arg1930His)

Gene: CENPE (centromere protein E; minus strand). Cytogenetic location: 4q24.
Variant type: single nucleotide variant.
Coding change: c.5789G>A on transcript NM_001813.3 (MANE Select); coding-DNA position 5789, G replaced by A.
Protein change: p.Arg1930His; replaces arginine 1930 with histidine.
Molecular consequence: missense variant.
Genome position (GRCh38, 1-based): chr4:103,140,380, C>T on the plus strand (G>A on the coding strand, the complement: CENPE is on the minus strand). VCF-style: chr4-103140380-C-T. GRCh37 (hg19) VCF-style: chr4-104061537-C-T.
Other names: c.5714G>A, p.Arg1905His (NM_001286734.2); short protein forms R1905H, R1930H.
Identifiers: ClinVar variation 789472 (VCV000789472.7), dbSNP rs115310306, ClinGen allele CA3029522.